The following is an entry in ClinVar:

NM_002653.5(PITX1):c.857G>T (p.Arg286Leu)

Gene: PITX1 (paired like homeodomain 1; minus strand). Cytogenetic location: 5q31.1.
Variant type: single nucleotide variant.
Coding change: c.857G>T on transcript NM_002653.5 (MANE Select); coding-DNA position 857, G replaced by T.
Protein change: p.Arg286Leu; replaces arginine 286 with leucine.
Molecular consequence: missense variant.
Genome position (GRCh38, 1-based): chr5:135,028,867, C>A on the plus strand (G>T on the coding strand, the complement: PITX1 is on the minus strand). VCF-style: chr5-135028867-C-A. GRCh37 (hg19) VCF-style: chr5-134364557-C-A.
Other names: short protein forms R286L.
Identifiers: ClinVar variation 3252938 (VCV003252938.2), dbSNP rs769519435.

ClinVar aggregate classification (germline): Uncertain significance (1 of 4 stars; one submission).

Submission:

GeneDx
Classification: Uncertain significance. Last evaluated: 2025-05-15. Review status: criteria provided, single submitter. Criteria: GeneDx Variant Classification Process June 2021. Collection method: clinical testing. Allele origin: germline.
Comment: Not observed at significant frequency in large population cohorts (gnomAD); In silico analysis supports that this missense variant has a deleterious effect on protein structure/function; Has not been previously published as pathogenic or benign to our knowledge